The following is an entry in ClinVar:

NM_018139.3(DNAAF2):c.1626G>C (p.Arg542=)

Genes: DNAAF2 (dynein axonemal assembly factor 2; minus strand), LOC130055541 (ATAC-STARR-seq lymphoblastoid active region 8320; plus strand). Cytogenetic location: 14q21.3.
Variant type: single nucleotide variant.
Coding change: c.1626G>C on transcript NM_018139.3 (MANE Select); coding-DNA position 1626, G replaced by C.
Protein change: p.Arg542=; no amino-acid change (arginine 542 retained).
Molecular consequence: synonymous variant. On other transcripts: 5 prime UTR variant (1).
Genome position (GRCh38, 1-based): chr14:49,633,524, C>G on the plus strand (G>C on the coding strand, the complement: DNAAF2 is on the minus strand). VCF-style: chr14-49633524-C-G. GRCh37 (hg19) VCF-style: chr14-50100242-C-G.
Other names: c.1626G>C, p.Arg542= (NM_001083908.2); c.-246G>C (NM_001378453.1).
Identifiers: ClinVar variation 261014 (VCV000261014.22), dbSNP rs35763780, ClinGen allele CA7172863.

ClinVar aggregate classification (germline): Benign/Likely benign. Review status: criteria provided, multiple submitters, no conflicts (2 of 4 stars). 7 submissions from 7 submitters: Benign (3); Likely benign (4). Last evaluated 2026-01-24.

Conditions:
Primary ciliary dyskinesia 10. Also called: CILIARY DYSKINESIA, PRIMARY, 10, WITH OR WITHOUT SITUS INVERSUS. Identifiers: Orphanet 244, MedGen C2675867, MONDO:0012918, OMIM 612518.
Primary ciliary dyskinesia. Also called: Ciliary dyskinesia. Identifiers: Orphanet 244, MedGen C0008780, MONDO:0016575, HP:0012265.

Allele frequency attached by ClinVar (database versions not stated): gnomAD exomes 0.00057 and 0.00162; ExAC 0.00190; 1000 Genomes Project 30x 0.00297; 1000 Genomes Project 0.00319; gnomAD 0.00598 and 0.00645; TOPMed 0.00621; ESP Exome Variant Server 0.00654.
gnomAD v4.1: 1,796 of 1,614,012 alleles (0.11%); highest among the groups gnomAD compares: African/African-American, 2%; 25 homozygotes.

Submissions (7):

Labcorp Genetics (formerly Invitae), Labcorp
Classification: Benign for Primary ciliary dyskinesia. Last evaluated: 2026-01-24. Review status: criteria provided, single submitter. Criteria: Invitae Variant Classification Sherloc (09022015). Collection method: clinical testing. Allele origin: germline.

Blueprint Genetics
Classification: Likely benign. Last evaluated: 2024-11-13. Review status: criteria provided, single submitter. Criteria: ACMG Guidelines, 2015. Collection method: clinical testing. Allele origin: germline.

GeneDx
Classification: Likely benign. Last evaluated: 2020-11-08. Review status: criteria provided, single submitter. Criteria: GeneDx Variant Classification Process June 2021. Collection method: clinical testing. Allele origin: germline. Affected: yes.
Comment: See Variant Classification Assertion Criteria.

Illumina Laboratory Services, Illumina
Classification: Likely benign for Primary ciliary dyskinesia 10. Last evaluated: 2018-01-12. Review status: criteria provided, single submitter. Criteria: ICSL Variant Classification Criteria 13 December 2019. Collection method: clinical testing. Allele origin: germline.
Comment: This variant was observed in the ICSL laboratory as part of a predisposition screen in an ostensibly healthy population. It had not been previously curated by ICSL or reported in the Human Gene Mutation Database (HGMD: prior to June 1st, 2018), and was therefore a candidate for classification through an automated scoring system. Utilizing variant allele frequency, disease prevalence and penetrance estimates, and inheritance mode, an automated score was calculated to assess if this variant is too frequent to cause the disease. Based on the score and internal cut-off values, a variant classified as likely benign is not then subjected to further curation. The score for this variant resulted in a classification of likely benign for this disease.

Ambry Genetics
Classification: Benign for Primary ciliary dyskinesia. Last evaluated: 2015-04-08. Review status: criteria provided, single submitter. Criteria: Ambry Variant Classification Scheme 2023. Collection method: clinical testing. Allele origin: germline.

Breakthrough Genomics
Classification: Likely benign. Review status: criteria provided, single submitter. Criteria: ACMG Guidelines, 2015. Collection method: not provided. Allele origin: germline. Inheritance: Autosomal recessive inheritance. Affected: yes.

PreventionGenetics, part of Exact Sciences
Classification: Benign. Review status: criteria provided, single submitter. Criteria: ACMG Guidelines, 2015. Collection method: clinical testing. Allele origin: germline.